The following is an entry in ClinVar:

NM_001370348.2(PHF3):c.2454T>C (p.Tyr818=)

Gene: PHF3 (PHD finger protein 3; plus strand). Cytogenetic location: 6q12.
Variant type: single nucleotide variant.
Coding change: c.2454T>C on transcript NM_001370348.2 (MANE Select); coding-DNA position 2454, T replaced by C.
Protein change: p.Tyr818=; no amino-acid change (tyrosine 818 retained).
Molecular consequence: synonymous variant.
Genome position (GRCh38, 1-based): chr6:63,692,001, T>C. VCF-style: chr6-63692001-T-C. GRCh37 (hg19) VCF-style: chr6-64401891-T-C.
Other names: c.2190T>C, p.Tyr730= (NM_001290259.2, NM_001370349.2); c.261T>C, p.Tyr87= (NM_001370350.2); c.2454T>C, p.Tyr818= (NM_015153.4).
Identifiers: ClinVar variation 3040949 (VCV003040949.2), dbSNP rs763685382, ClinGen allele CA3875890.
Genomic context (GRCh38, chr6:63,692,001, plus strand): 5'-AACAATGGAGTGTGAAAAGCTTGGATTATCAAAACACACAACAAATGATAGAACCAAATA[T>C]ATAGATGATACAGTGAAGCACAAGGTCAAAATTTTAAAACGGGTGAGCTCTTCATTAATG-3'
Protein context (NP_001357277.1, residues 808-828): SKHTTNDRTK[Tyr818=]IDDTVKHKVK

ClinVar aggregate classification (germline): Likely benign (0 of 4 stars; one submission).

Conditions:
PHF3-related disorder. Also called: PHF3-related condition.

Allele frequency attached by ClinVar (database versions not stated): ExAC 0.00001; gnomAD exomes 0.00001.
gnomAD v4.1: 15 of 1,613,124 alleles (0.00093%); highest among the groups gnomAD compares: South Asian, 0.013%; no homozygotes.

Submission:

PreventionGenetics, part of Exact Sciences
Classification: Likely benign for PHF3-related condition. Last evaluated: 2019-09-25. Review status: no assertion criteria provided. Collection method: clinical testing. Allele origin: germline.
Comment: This variant is classified as likely benign based on ACMG/AMP sequence variant interpretation guidelines (Richards et al. 2015 PMID: 25741868, with internal and published modifications).